The following is an entry in ClinVar:

NM_004924.6(ACTN4):c.838C>A (p.Arg280=)

Gene: ACTN4 (actinin alpha 4; plus strand). Cytogenetic location: 19q13.2.
Variant type: single nucleotide variant.
Coding change: c.838C>A on transcript NM_004924.6 (MANE Select); coding-DNA position 838, C replaced by A.
Protein change: p.Arg280=; no amino-acid change (arginine 280 retained).
Molecular consequence: synonymous variant.
Genome position (GRCh38, 1-based): chr19:38,714,487, C>A. VCF-style: chr19-38714487-C-A. GRCh37 (hg19) VCF-style: chr19-39205127-C-A.
Other names: c.838C>A, p.Arg280= (NM_001322033.2, NM_001411143.1).
Identifiers: ClinVar variation 3025448 (VCV003025448.22), dbSNP rs773886637, ClinGen allele CA9417463.

ClinVar aggregate classification (germline): Likely benign (1 of 4 stars; one submission).

Allele frequency attached by ClinVar (database versions not stated): TOPMed below 0.00001; gnomAD exomes 0.00001; ExAC 0.00002.
gnomAD v4.1: 7 of 1,613,764 alleles (0.00043%); highest among the groups gnomAD compares: Non-Finnish European, 0.00059%; no homozygotes.

Submission:

CeGaT Center for Human Genetics Tuebingen
Classification: Likely benign. Last evaluated: 2023-12-01. Review status: criteria provided, single submitter. Criteria: CeGaT Center For Human Genetics Tuebingen Variant Classification Criteria Version 2. Collection method: clinical testing. Allele origin: germline. Affected: yes. Observed: 1 variant allele.
Comment: ACTN4: BP4, BP7